The following is an entry in ClinVar:

NC_012920.1(MT-ND5):m.13345G>A

Gene: MT-ND5 (mitochondrially encoded NADH dehydrogenase 5; plus strand).
Variant type: single nucleotide variant.
Genome position: chrM-13345-G-A.
Identifiers: ClinVar variation 2683758 (VCV002683758.1), dbSNP rs2521973003, ClinGen allele CA414817570.

ClinVar aggregate classification (germline): Uncertain significance (1 of 4 stars; one submission).

Conditions:
Mitochondrial disease. Also called: Mitochondrial disorders; Mitochondrial disorder. Identifiers: Orphanet 68380, MedGen C0751651, MeSH D028361, MONDO:0044970.

Submission:

Diagnostics Services (NGS), CSIR - Centre For Cellular And Molecular Biology
Classification: Uncertain significance for Mitochondrial disease. Last evaluated: 2023-12-27. Review status: criteria provided, single submitter. Criteria: ACMG Guidelines, 2015. Collection method: clinical testing. Allele origin: unknown. Inheritance: Mitochondrial inheritance. Affected: yes. Observed: 1 variant allele, 1 heterozygote.
Comment: The m.13345G>A variant is not present in publicly available population databases like 1000 Genomes, mtDB and our in-house exome database. The variant is present in MITOMAP, HelixMtdb and gnomAD v3.1 databases at low frequencies. This variant has been previously observed in individuals affected with LHON [1, 2] and reported to the MITOMAP database. It has not been reported to the ClinVar or OMIM databases in any affected individuals. This variant is present in the MitImpact database. In-silico pathogenicity prediction programs like SIFT4G, PolyPhen-2, CADD, APOGEE1, APOGEE2, Varsome etc predicted this variant to be likely deleterious, however these predictions were not confirmed by published functional studies.